The following is an entry in ClinVar:

ClinVar aggregate classification (germline): Uncertain significance. Review status: criteria provided, multiple submitters, no conflicts (2 of 4 stars). 2 submissions from 2 submitters: Uncertain significance (2). Last evaluated 2025-09-20.

Conditions:
Inborn genetic diseases. Identifiers: MedGen C0950123, MeSH D030342.

Allele frequency attached by ClinVar (database versions not stated): gnomAD 0.00001; gnomAD exomes 0.00001; TOPMed 0.00001.
gnomAD v4.1: 12 of 1,614,014 alleles (0.00074%); highest among the groups gnomAD compares: Non-Finnish European, 0.00093%; no homozygotes.

Submissions (2):

Labcorp Genetics (formerly Invitae), Labcorp
Classification: Uncertain significance. Last evaluated: 2025-09-20. Review status: criteria provided, single submitter. Criteria: Invitae Variant Classification Sherloc (09022015). Collection method: clinical testing. Allele origin: germline.
Comment: This sequence change replaces lysine, which is basic and polar, with arginine, which is basic and polar, at codon 656 of the MYH9 protein (p.Lys656Arg). This variant is present in population databases (no rsID available, gnomAD 0.0009%). This variant has not been reported in the literature in individuals affected with MYH9-related conditions. ClinVar contains an entry for this variant (Variation ID: 2512480). Invitae Evidence Modeling of protein sequence and biophysical properties (such as structural, functional, and spatial information, amino acid conservation, physicochemical variation, residue mobility, and thermodynamic stability) indicates that this missense variant is not expected to disrupt MYH9 protein function with a negative predictive value of 95%. In summary, the available evidence is currently insufficient to determine the role of this variant in disease. Therefore, it has been classified as a Variant of Uncertain Significance.

Ambry Genetics
Classification: Uncertain significance for Inborn genetic diseases. Last evaluated: 2025-08-14. Review status: criteria provided, single submitter. Criteria: Ambry Variant Classification Scheme 2023. Collection method: clinical testing. Allele origin: germline.

NM_002473.6(MYH9):c.1967A>G (p.Lys656Arg)

Gene: MYH9 (myosin heavy chain 9; minus strand). Cytogenetic location: 22q12.3.
Variant type: single nucleotide variant.
Coding change: c.1967A>G on transcript NM_002473.6 (MANE Select); coding-DNA position 1967, A replaced by G.
Protein change: p.Lys656Arg; replaces lysine 656 with arginine.
Molecular consequence: missense variant.
Genome position (GRCh38, 1-based): chr22:36,306,484, T>C on the plus strand (A>G on the coding strand, the complement: MYH9 is on the minus strand). VCF-style: chr22-36306484-T-C. GRCh37 (hg19) VCF-style: chr22-36702530-T-C.
Other names: short protein forms K656R.
Identifiers: ClinVar variation 2512480 (VCV002512480.4), dbSNP rs1024361841, ClinGen allele CA323600041.